The following continues an entry in ClinVar:

NM_007294.4(BRCA1):c.5407-25T>A

Gene: BRCA1. ClinVar aggregate classification (germline): Conflicting classifications of pathogenicity. Likely pathogenic (10); Uncertain significance (2).

Submissions 7 to 14 of 14:

GeneDx
Classification: Likely pathogenic. Last evaluated: 2025-03-24. Review status: criteria provided, single submitter. Criteria: GeneDx Variant Classification Process June 2021. Collection method: clinical testing. Allele origin: germline. Affected: yes.
Comment: Non-canonical splice variant demonstrating aberrant splicing (PMID: 26350514, 31992191); Observed in individuals with personal and/or family history of breast and/or ovarian cancer and reported as a recurrent variant in the Norwegian population (PMID: 12774040, 24010542, 26350514, 29339979, 30678073, 35456503); Not observed at significant frequency in large population cohorts (gnomAD); Also known as IVS22-25T>A; This variant is associated with the following publications: (PMID: 28726806, 26350514, 12774040, 29339979, 24010542, 30678073, 27974384, 30209399, 32623769, 35456503, 34981296, 31992191, 32203205)

German Consortium for Hereditary Breast and Ovarian Cancer, University Hospital Cologne
Classification: Uncertain significance for Hereditary breast ovarian cancer syndrome. Last evaluated: 2024-12-10. Review status: criteria provided, single submitter. Criteria: ClinGen BRCA1 V1.1.0. Collection method: curation. Allele origin: germline.
Comment: According to the ClinGen ENIGMA BRCA1 v1.1.0 criteria we chose this criterion: PVS1 (strong pathogenic): PVS1_RNA : Ambry internal data (Accession: SCV001186006.5) & Høberg-Vetti (2020; PMID: 32203205) Analysis of patient-derived cDNA from blood, normal breast and ovarian tissue indicates that this variant leads to skipping of exon 23, resulting in frameshift and protein truncation, p.Gly1803GlnfsTer11. Høberg-Vetti (2020; PMID: 32203205): Sequencing of the two products from carriers of the BRCA1 c.5407-25T>A variant showed both a normal transcript and a transcript lacking exon 23 (r.5407_5467del); NGS-based sequencing of blood-derived RNA from three different carriers showed that the full-length transcript from the variant allele represented 10–13% of the total full-length transcript. Sequencing of RNA isolated from normal breast tissue from one of the carriers showed that full-length transcript from the variant allele represented 20% of the total full-length transcript. --> As per Table 9 of CSpec: 70-80% proportion of non-functional transcript --> PVS1_RNA applicable

Quest Diagnostics Nichols Institute San Juan Capistrano
Classification: Likely pathogenic. Last evaluated: 2024-11-21. Review status: criteria provided, single submitter. Criteria: Quest Diagnostics criteria. Collection method: clinical testing. Allele origin: unknown.
Comment: The BRCA1 c.5407-25T>A variant has been reported in the published literature in multiple individuals affected with breast and/or ovarian cancer (PMID: 12774040 (2003), 24010542 (2014), 26350514 (2015), 32203205 (2020), 35456503 (2022)). Experimental evidence from patient-derived cells as well as in vitro minigene assay results indicated that this variant leads to exon skipping, resulting in a frameshift event and protein truncation (PMID: 31992191 (2020), 32203205 (2020)). Additionally, Western blot analysis showed reduced amount of the truncated protein compared to the wild type (PMID: 32203205 (2020)). The frequency of this variant in the general population, 0.000015 (2/129132 chromosomes (Genome Aggregation Database)), is consistent with pathogenicity. Based on the available information, this variant is classified as likely pathogenic.

Baylor Genetics
Classification: Uncertain significance for Breast-ovarian cancer, familial, susceptibility to, 1. Last evaluated: 2023-10-26. Review status: criteria provided, single submitter. Criteria: ACMG Guidelines, 2015. Collection method: clinical testing. Allele origin: unknown.

Women's Health and Genetics/Laboratory Corporation of America, LabCorp
Classification: Likely pathogenic for Hereditary breast ovarian cancer syndrome. Last evaluated: 2023-06-21. Review status: criteria provided, single submitter. Criteria: LabCorp Variant Classification Summary - May 2015. Collection method: clinical testing. Allele origin: germline.
Comment: Variant summary: BRCA1 c.5407-25T>A is located at a position not widely known to affect splicing. While splice predictors via Alamut do not predict a significant impact on splicing, a different tool, SpliceAI, does predict the loss of cannonical splice acceptor. Sequencing of patient-derived cDNA from blood, normal breast and ovarian tissue showed the variant to lead to skipping of exon 23, resulting in a frameshift and protein truncation (p.Gly1803GlnfsTer11) (Hoberg-Vetti_2020). Additionally, Western blot analysis of transiently expressed BRCA1 proteins showed a reduced amount of truncated protein compared to wild-type, however a small amount of full-length transcript was generated from the c.5407-25T>A allele (Hoberg-Vetti_2020). The variant allele was found at a frequency of 4e-06 in 251402 control chromosomes. c.5407-25T>A has been reported in the literature in individuals affected with Hereditary Breast And Ovarian Cancer Syndrome (examples: Hoberg-Vetti_2016, Hoberg-Vetti_2020, Alenezi_2022, Konstantopoulou_2014). In one publication, the variant was reported in sisters with bilateral high-grade serous ovarian carcinoma and sequencing of the tumor DNA from these variant carriers showed complete loss of the wild-type allele (Alenezi_2022). Additionally, an analysis of 20 apparently unrelated families carrying the variant showed 23/49 female carriers (46.9%) were affected by either breast or ovarian cancer with a mean age of 49.9 years while 26 unaffected female carriers included 7 women who were 50 years or older without having undergone prophylactic surgery. The authors state that their results indicate the variant is a likely pathogenic variant with reduced penetrance, possibly related to the small "leakage" of normal transcript from this splice variant. Due to the lower median age at cancer diagnosis between this variant and other frameshift variants, as well as the family histories of these patients being compatible with lower penetrance, the authors suggest the magnitude of risk may be lower for this variant compared to truncating BRCA1 variants. Four submitters have cited clinical-significance assessments for this variant to ClinVar after 2014, three classified the variant as likely pathogenic while one classified the variant as VUS. Based on the evidence outlined above, the variant was classified as likely pathogenic.

Department of Pathology and Laboratory Medicine, Sinai Health System
Classification: Likely pathogenic for Familial cancer of breast; Breast-ovarian cancer, familial, susceptibility to, 1; Fanconi anemia, complementation group S. Last evaluated: 2021-07-16. Review status: criteria provided, single submitter. Criteria: ACMG Guidelines, 2015. Collection method: clinical testing. Allele origin: germline. Affected: no.

Counsyl
Classification: Uncertain significance for Breast-ovarian cancer, familial, susceptibility to, 1. Last evaluated: 2016-02-19. Review status: no assertion criteria provided. Collection method: clinical testing. Allele origin: unknown. Not counted in ClinVar's aggregate classification.

Research Molecular Genetics Laboratory, Women's College Hospital, University of Toronto
Classification: Uncertain significance. Last evaluated: 2014-01-31. Review status: no assertion criteria provided. Collection method: research. Allele origin: germline. Affected: yes. Study: The Canadian Open Genetics Repository (COGR). Not counted in ClinVar's aggregate classification.

Literature cited by the submitters: PubMed 12774040 (cited by 7 submitters); PubMed 24010542 (cited by 8 submitters); PubMed 26350514 (cited by 8 submitters); PubMed 29339979 (cited by 6 submitters); PubMed 34981296 (cited by Labcorp Genetics (formerly Invitae), Labcorp and Variantyx, Inc.); PubMed 35456503 (cited by 6 submitters); PubMed 32203205 (cited by 6 submitters); PubMed 30209399 (cited by Ambry Genetics); PubMed 31992191 (cited by Quest Diagnostics Nichols Institute San Juan Capistrano); PubMed 32623769 (cited by Quest Diagnostics Nichols Institute San Juan Capistrano).